The following is an entry in ClinVar:

ClinVar aggregate classification (germline): Uncertain significance. Review status: criteria provided, multiple submitters, no conflicts (2 of 4 stars). 4 submissions from 4 submitters: Uncertain significance (4). Last evaluated 2025-04-09.

Conditions:
Hereditary nonpolyposis colorectal neoplasms. Identifiers: MedGen C0009405, MeSH D003123.
Lynch syndrome. Identifiers: Orphanet 144, MedGen C4552100, MONDO:0005835. Disease mechanism: loss of function.
Hereditary cancer-predisposing syndrome. Also called: Tumor predisposition; Hereditary Cancer Syndrome; Neoplastic Syndromes, Hereditary; Hereditary neoplastic syndrome. Identifiers: Orphanet 140162, MedGen C0027672, MeSH D009386, MONDO:0015356.

gnomAD v4.1: 1 of 1,612,948 alleles (0.000062%); highest among the groups gnomAD compares: Admixed American, 0.0017%; no homozygotes.

Submissions (4):

Quest Diagnostics Nichols Institute San Juan Capistrano
Classification: Uncertain significance. Last evaluated: 2025-04-09. Review status: criteria provided, single submitter. Criteria: Quest Diagnostics criteria. Collection method: clinical testing. Allele origin: unknown.
Comment: The MSH6 c.3112T>G (p.Tyr1038Asp) variant has not been reported in the published literature. It also has not been reported in large, multi-ethnic general populations (Genome Aggregation Database). Analysis of this variant using bioinformatics tools for the prediction of the effect of amino acid changes on protein structure and function yielded predictions that this variant is damaging. Based on the available information, we are unable to determine the clinical significance of this variant.

Labcorp Genetics (formerly Invitae), Labcorp
Classification: Uncertain significance for Hereditary nonpolyposis colorectal neoplasms. Last evaluated: 2025-01-26. Review status: criteria provided, single submitter. Criteria: Invitae Variant Classification Sherloc (09022015). Collection method: clinical testing. Allele origin: germline.
Comment: This sequence change replaces tyrosine, which is neutral and polar, with aspartic acid, which is acidic and polar, at codon 1038 of the MSH6 protein (p.Tyr1038Asp). This variant is not present in population databases (gnomAD no frequency). This variant has not been reported in the literature in individuals affected with MSH6-related conditions. ClinVar contains an entry for this variant (Variation ID: 822913). Invitae Evidence Modeling of protein sequence and biophysical properties (such as structural, functional, and spatial information, amino acid conservation, physicochemical variation, residue mobility, and thermodynamic stability) indicates that this missense variant is not expected to disrupt MSH6 protein function with a negative predictive value of 95%. In summary, the available evidence is currently insufficient to determine the role of this variant in disease. Therefore, it has been classified as a Variant of Uncertain Significance.

Ambry Genetics
Classification: Uncertain significance for Hereditary cancer-predisposing syndrome. Last evaluated: 2024-05-06. Review status: criteria provided, single submitter. Criteria: Ambry Variant Classification Scheme 2023. Collection method: clinical testing. Allele origin: germline.
Comment: The p.Y1038D variant (also known as c.3112T>G), located in coding exon 4 of the MSH6 gene, results from a T to G substitution at nucleotide position 3112. The tyrosine at codon 1038 is replaced by aspartic acid, an amino acid with highly dissimilar properties. This amino acid position is well conserved in available vertebrate species. In addition, this alteration is predicted to be deleterious by in silico analysis. Based on the available evidence, the clinical significance of this variant remains unclear.

All of Us Research Program, National Institutes of Health
Classification: Uncertain significance for Lynch syndrome. Last evaluated: 2023-12-13. Review status: criteria provided, single submitter. Criteria: ACMG Guidelines, 2015. Collection method: clinical testing. Allele origin: germline. Inheritance: Autosomal dominant inheritance. Observed: 1 variant allele, 1 heterozygote.
Comment: This missense variant replaces tyrosine with aspartic acid at codon 1038 of the MSH6 protein. Computational prediction is inconclusive regarding the impact of this variant on protein structure and function (internally defined REVEL score threshold 0.5 < inconclusive < 0.7, PMID: 27666373). To our knowledge, functional studies have not been reported for this variant. This variant has not been reported in individuals affected with MSH6-related disorders in the literature. This variant has not been identified in the general population by the Genome Aggregation Database (gnomAD). The available evidence is insufficient to determine the role of this variant in disease conclusively. Therefore, this variant is classified as a Variant of Uncertain Significance.

This study involves interpretation of variants in research participants for the purpose of population health screening. Participant phenotype was not available at the time of variant classification. Additional details can be found in publication PMID: 35346344, PMCID: PMC8962531

NM_000179.3(MSH6):c.3112T>G (p.Tyr1038Asp)

Gene: MSH6 (mutS homolog 6; plus strand). Cytogenetic location: 2p16.3.
Variant type: single nucleotide variant.
Coding change: c.3112T>G on transcript NM_000179.3 (MANE Select); coding-DNA position 3112, T replaced by G.
Protein change: p.Tyr1038Asp; replaces tyrosine 1038 with aspartic acid.
Molecular consequence: missense variant.
Genome position (GRCh38, 1-based): chr2:47,801,095, T>G. VCF-style: chr2-47801095-T-G. GRCh37 (hg19) VCF-style: chr2-48028234-T-G.
Other names: c.2722T>G, p.Tyr908Asp (NM_001281492.2); c.2206T>G, p.Tyr736Asp (NM_001281493.2, NM_001281494.2); short protein forms Y736D, Y1038D, Y908D.
Identifiers: ClinVar variation 822913 (VCV000822913.14), dbSNP rs1060502947, ClinGen allele CA346756615.
Genomic context (GRCh38, chr2:47,801,095, plus strand): 5'-CTCATAAATGCTGAAGAACGGAGGGATGTATCATTGAAGGACTGCATGCGGCGACTGTTC[T>G]ATAACTTTGATAAAAATTACAAGGACTGGCAGTCTGCTGTAGAGTGTATCGCAGTGTTGG-3'
Protein context (NP_000170.1, residues 1028-1048): SLKDCMRRLF[Tyr1038Asp]NFDKNYKDWQ